The following is an entry in ClinVar:

NM_002079.3(GOT1):c.643-5C>T

Gene: GOT1 (glutamic-oxaloacetic transaminase 1; minus strand). Cytogenetic location: 10q24.2.
Variant type: single nucleotide variant.
Coding change: c.643-5C>T on transcript NM_002079.3 (MANE Select); 5 bases into the intron before coding-DNA position 643, C replaced by T.
Molecular consequence: intron variant.
Genome position (GRCh38, 1-based): chr10:99,403,879, G>A on the plus strand (C>T on the coding strand, the complement: GOT1 is on the minus strand). VCF-style: chr10-99403879-G-A. GRCh37 (hg19) VCF-style: chr10-101163636-G-A.
Identifiers: ClinVar variation 713620 (VCV000713620.28), dbSNP rs139135226, ClinGen allele CA5640872.

ClinVar aggregate classification (germline): Benign/Likely benign. Review status: criteria provided, multiple submitters, no conflicts (2 of 4 stars). 3 submissions from 3 submitters: Benign (2); Likely benign (1). Last evaluated 2024-02-01.

Allele frequency attached by ClinVar (database versions not stated): 1000 Genomes Project 30x 0.00141; 1000 Genomes Project 0.00160; gnomAD 0.00357 and 0.00371; ESP Exome Variant Server 0.00369; TOPMed 0.00387; gnomAD exomes 0.00457 and 0.00494; ExAC 0.00465.
gnomAD v4.1: 7,367 of 1,613,112 alleles (0.46%); highest among the groups gnomAD compares: Middle Eastern, 1.5%; 36 homozygotes.

Submissions (3):

CeGaT Center for Human Genetics Tuebingen
Classification: Likely benign. Last evaluated: 2024-02-01. Review status: criteria provided, single submitter. Criteria: CeGaT Center For Human Genetics Tuebingen Variant Classification Criteria Version 2. Collection method: clinical testing. Allele origin: germline. Affected: yes. Observed: 2 variant alleles.
Comment: GOT1: BP4, BS2

Labcorp Genetics (formerly Invitae), Labcorp
Classification: Benign. Last evaluated: 2018-07-11. Review status: criteria provided, single submitter. Criteria: Invitae Variant Classification Sherloc (09022015). Collection method: clinical testing. Allele origin: germline.

Breakthrough Genomics
Classification: Benign. Review status: criteria provided, single submitter. Criteria: ACMG Guidelines, 2015. Collection method: not provided. Allele origin: germline. Inheritance: Unknown mechanism. Affected: yes.